The following is an entry in ClinVar:

NM_000051.4(ATM):c.2542G>A (p.Glu848Lys)

Gene: ATM (ATM serine/threonine kinase; plus strand). Cytogenetic location: 11q22.3.
Variant type: single nucleotide variant.
Coding change: c.2542G>A on transcript NM_000051.4 (MANE Select); coding-DNA position 2542, G replaced by A.
Protein change: p.Glu848Lys; replaces glutamic acid 848 with lysine.
Molecular consequence: missense variant.
Genome position (GRCh38, 1-based): chr11:108,267,246, G>A. VCF-style: chr11-108267246-G-A. GRCh37 (hg19) VCF-style: chr11-108137973-G-A.
Other names: c.2542G>A, p.Glu848Lys (NM_001351834.2); short protein forms E848K.
Identifiers: ClinVar variation 246009 (VCV000246009.5), dbSNP rs879254046, ClinGen allele CA10584332.
Genomic context (GRCh38, chr11:108,267,246, plus strand): 5'-AAGCCATTTGACCGTGGAGAAGTAGAATCAATGGAAGATGATACTAATGGAAATCTAATG[G>A]AGGTGGAGGATCAGTCATCCATGAATCTATTTAACGATTACCCTGATAGTAGTGTTAGTG-3'
Protein context (NP_000042.3, residues 838-858): MEDDTNGNLM[Glu848Lys]VEDQSSMNLF

ClinVar aggregate classification (germline): Conflicting classifications of pathogenicity. Review status: criteria provided, conflicting classifications (1 of 4 stars). 2 submissions from 2 submitters: Uncertain significance (1); Likely benign (1). Last evaluated 2025-01-06.

Conditions:
Hereditary cancer-predisposing syndrome. Also called: Hereditary neoplastic syndrome; Neoplastic Syndromes, Hereditary; Tumor predisposition; Hereditary Cancer Syndrome. Identifiers: Orphanet 140162, MedGen C0027672, MeSH D009386, MONDO:0015356.

Submissions (2):

Ambry Genetics
Classification: Likely benign for Hereditary cancer-predisposing syndrome. Last evaluated: 2025-01-06. Review status: criteria provided, single submitter. Criteria: Ambry Variant Classification Scheme 2023. Collection method: clinical testing. Allele origin: germline.

GeneDx
Classification: Uncertain significance. Last evaluated: 2015-10-15. Review status: criteria provided, single submitter. Criteria: GeneDx Variant Classification (06012015). Collection method: clinical testing. Allele origin: germline. Affected: yes.
Comment: This variant is denoted ATM c.2542G>A at the cDNA level, p.Glu848Lys (E848K) at the protein level, and results in the change of a Glutamic Acid to a Lysine (GAG>AAG). This variant has not, to our knowledge, been published in the literature as pathogenic or benign. ATM Glu848Lys was not observed in approximately 6,500 individuals of European and African American ancestry in the NHLBI Exome Sequencing Project, suggesting it is not a common benign variant in these populations. Since Glutamic Acid and Lysine differ in polarity, charge, size or other properties, this is considered a non-conservative amino acid substitution. ATM Glu848Lys occurs at a position that is not conserved and is not located in a known functional domain (Stracker 2013). In silico analyses predict that this variant is unlikely to alter protein structure or function. Based on currently available evidence, it is unclear whether ATM Glu848Lys is a pathogenic or benign variant. We consider it to be a variant of uncertain significance.

Literature cited by the submitters: PubMed 32832836 (cited by Ambry Genetics).